The following is an entry in ClinVar:

ClinVar aggregate classification (germline): Pathogenic (1 of 4 stars; one submission).

Conditions:
Hereditary spastic paraplegia 50 (SPG50). Also called: Spastic paraplegia 50, autosomal recessive. Identifiers: Orphanet 280763, MedGen C2752008, MONDO:0013048, OMIM 612936.

Submission:

Labcorp Genetics (formerly Invitae), Labcorp
Classification: Pathogenic for Hereditary spastic paraplegia 50. Last evaluated: 2023-10-10. Review status: criteria provided, single submitter. Criteria: Invitae Variant Classification Sherloc (09022015). Collection method: clinical testing. Allele origin: unknown.
Comment: This variant is a gross deletion of the genomic region encompassing exon(s) 13-14 of the AP4M1 gene. While this deletion is not anticipated to lead to nonsense mediated decay, it is expected to disrupt the C-terminus of the protein. This variant has not been reported in the literature in individuals affected with AP4M1-related conditions. This variant disrupts a region of the AP4M1 protein in which other variant(s) (p.Arg441*) have been determined to be pathogenic (PMID: 26077850, 32979048, 32989326; Invitae). This suggests that this is a clinically significant region of the protein, and that variants that disrupt it are likely to be disease-causing. For these reasons, this variant has been classified as Pathogenic.

Literature cited by the submitters: PubMed 26077850; PubMed 32979048; PubMed 32989326.

NC_000007.13:g.(?_99703861)_(99704170_?)del

Gene: AP4M1 (adaptor related protein complex 4 subunit mu 1; plus strand). Cytogenetic location: 7q22.1.
Variant type: Deletion.
Identifiers: ClinVar variation 3245785 (VCV003245785.1).